The following is an entry in ClinVar:

ClinVar aggregate classification (germline): Uncertain significance (1 of 4 stars; one submission).

Submission:

Labcorp Genetics (formerly Invitae), Labcorp
Classification: Uncertain significance. Last evaluated: 2022-06-09. Review status: criteria provided, single submitter. Criteria: Invitae Variant Classification Sherloc (09022015). Collection method: clinical testing. Allele origin: germline.
Comment: In summary, the available evidence is currently insufficient to determine the role of this variant in disease. Therefore, it has been classified as a Variant of Uncertain Significance. Algorithms developed to predict the effect of missense changes on protein structure and function (SIFT, PolyPhen-2, Align-GVGD) all suggest that this variant is likely to be disruptive. This variant has not been reported in the literature in individuals affected with CLCN6-related conditions. This variant is not present in population databases (gnomAD no frequency). This sequence change replaces phenylalanine, which is neutral and non-polar, with cysteine, which is neutral and slightly polar, at codon 110 of the CLCN6 protein (p.Phe110Cys).

NM_001286.5(CLCN6):c.329T>G (p.Phe110Cys)

Gene: CLCN6 (chloride voltage-gated channel 6; plus strand). Cytogenetic location: 1p36.22.
Variant type: single nucleotide variant.
Coding change: c.329T>G on transcript NM_001286.5 (MANE Select); coding-DNA position 329, T replaced by G.
Protein change: p.Phe110Cys; replaces phenylalanine 110 with cysteine.
Molecular consequence: missense variant. On other transcripts: non-coding transcript variant (1).
Genome position (GRCh38, 1-based): chr1:11,819,537, T>G. VCF-style: chr1-11819537-T-G. GRCh37 (hg19) VCF-style: chr1-11879594-T-G.
Other names: c.263T>G, p.Phe88Cys (NM_001256959.2); short protein forms F110C, F88C.
Identifiers: ClinVar variation 2111562 (VCV002111562.4), dbSNP rs765745770, ClinGen allele CA338426565.